The following is an entry in ClinVar:

ClinVar aggregate classification (germline): Uncertain significance (1 of 4 stars; one submission).

Conditions:
Inborn genetic diseases. Identifiers: MedGen C0950123, MeSH D030342.

Submission:

Ambry Genetics
Classification: Uncertain significance for Inborn genetic diseases. Last evaluated: 2026-08-15. Review status: criteria provided, single submitter. Criteria: Ambry Variant Classification Scheme 2023. Collection method: clinical testing. Allele origin: germline.
Comment: The p.V380A variant (also known as c.1139T>C), located in coding exon 8 of the MECOM gene, results from a T to C substitution at nucleotide position 1139. The valine at codon 380 is replaced by alanine, an amino acid with similar properties. This amino acid position is conserved. In addition, the in silico prediction for this alteration is inconclusive. Based on the available evidence, the clinical significance of this variant remains unclear.

NM_004991.4(MECOM):c.1139T>C (p.Val380Ala)

Gene: MECOM (MDS1 and EVI1 complex locus; minus strand). Cytogenetic location: 3q26.2.
Variant type: single nucleotide variant.
Coding change: c.1139T>C on transcript NM_004991.4 (MANE Select); coding-DNA position 1139, T replaced by C.
Protein change: p.Val380Ala; replaces valine 380 with alanine.
Molecular consequence: missense variant. On other transcripts: intron variant (2).
Genome position (GRCh38, 1-based): chr3:169,116,733, A>G on the plus strand (T>C on the coding strand, the complement: MECOM is on the minus strand). VCF-style: chr3-169116733-A-G. GRCh37 (hg19) VCF-style: chr3-168834521-A-G.
Other names: c.770T>C, p.Val257Ala (NM_001105077.4); c.575T>C, p.Val192Ala (NM_001105078.4, NM_001164000.2, NM_001205194.2 and 4 more transcripts); c.578T>C, p.Val193Ala (NM_001163999.2, NM_001366467.2, NM_001366468.2 and 1 more transcripts); c.1139T>C, p.Val380Ala (NM_001366466.2); c.1133-966T>C (NM_001366473.2); c.569-966T>C (NM_001366474.2); short protein forms V257A, V380A, V192A, V193A.
Identifiers: ClinVar variation 5024183 (VCV005024183.1).